The following is an entry in ClinVar:

NM_004187.5(KDM5C):c.2863G>A (p.Val955Ile)

Gene: KDM5C (lysine demethylase 5C; minus strand). Cytogenetic location: Xp11.22.
Variant type: single nucleotide variant.
Coding change: c.2863G>A on transcript NM_004187.5 (MANE Select); coding-DNA position 2863, G replaced by A.
Protein change: p.Val955Ile; replaces valine 955 with isoleucine.
Molecular consequence: missense variant. On other transcripts: non-coding transcript variant (3).
Genome position (GRCh38, 1-based): chrX:53,196,804, C>T on the plus strand (G>A on the coding strand, the complement: KDM5C is on the minus strand). VCF-style: chrX-53196804-C-T. GRCh37 (hg19) VCF-style: chrX-53225986-C-T.
Other names: c.2860G>A, p.Val954Ile (NM_001353979.2, NM_001353982.2, NM_001282622.3); c.2863G>A, p.Val955Ile (NM_001353981.2, NM_001353984.2, NM_001353978.3); c.2662G>A, p.Val888Ile (NM_001146702.2); short protein forms V955I, V888I, V954I.
Identifiers: ClinVar variation 1920239 (VCV001920239.5), dbSNP rs1556837246, ClinGen allele CA413112524.

ClinVar aggregate classification (germline): Uncertain significance (1 of 4 stars; one submission).

Conditions:
Spastic paraplegia. Identifiers: MedGen C0037772, HP:0001258.

Allele frequency attached by ClinVar (database versions not stated): gnomAD exomes below 0.00001.
gnomAD v4.1: 1 of 1,212,111 alleles (0.000083%); highest among the groups gnomAD compares: Admixed American, 0.0022%; no homozygotes.

Submission:

Labcorp Genetics (formerly Invitae), Labcorp
Classification: Uncertain significance for Spastic paraplegia. Last evaluated: 2022-05-25. Review status: criteria provided, single submitter. Criteria: Invitae Variant Classification Sherloc (09022015). Collection method: clinical testing. Allele origin: germline.
Comment: This variant is present in population databases (no rsID available, gnomAD 0.004%). In summary, the available evidence is currently insufficient to determine the role of this variant in disease. Therefore, it has been classified as a Variant of Uncertain Significance. Advanced modeling of protein sequence and biophysical properties (such as structural, functional, and spatial information, amino acid conservation, physicochemical variation, residue mobility, and thermodynamic stability) performed at Invitae indicates that this missense variant is not expected to disrupt KDM5C protein function. This variant has not been reported in the literature in individuals affected with KDM5C-related conditions. This sequence change replaces valine, which is neutral and non-polar, with isoleucine, which is neutral and non-polar, at codon 955 of the KDM5C protein (p.Val955Ile).